The following is an entry in ClinVar:

ClinVar aggregate classification (germline): Uncertain significance. Review status: criteria provided, multiple submitters, no conflicts (2 of 4 stars). 2 submissions from 2 submitters: Uncertain significance (2). Last evaluated 2025-12-21.

Conditions:
Hereditary cancer-predisposing syndrome. Also called: Neoplastic Syndromes, Hereditary; Tumor predisposition; Hereditary Cancer Syndrome; Hereditary neoplastic syndrome. Identifiers: Orphanet 140162, MedGen C0027672, MeSH D009386, MONDO:0015356.

Allele frequency attached by ClinVar (database versions not stated): gnomAD exomes below 0.00001 and 0.00002; TOPMed below 0.00001; gnomAD 0.00001; ExAC 0.00002.
gnomAD v4.1: 6 of 1,612,018 alleles (0.00037%); highest among the groups gnomAD compares: East Asian, 0.013%; no homozygotes.

Submissions (2):

Labcorp Genetics (formerly Invitae), Labcorp
Classification: Uncertain significance. Last evaluated: 2025-12-21. Review status: criteria provided, single submitter. Criteria: Invitae Variant Classification Sherloc (09022015). Collection method: clinical testing. Allele origin: germline.
Comment: This sequence change replaces glycine, which is neutral and non-polar, with valine, which is neutral and non-polar, at codon 4 of the HOXB13 protein (p.Gly4Val). This variant is present in population databases (rs776869015, gnomAD 0.03%). This variant has not been reported in the literature in individuals affected with HOXB13-related conditions. ClinVar contains an entry for this variant (Variation ID: 483505). An algorithm developed to predict the effect of missense changes on protein structure and function (PolyPhen-2) suggests that this variant is likely to be tolerated. In summary, the available evidence is currently insufficient to determine the role of this variant in disease. Therefore, it has been classified as a Variant of Uncertain Significance.

Ambry Genetics
Classification: Uncertain significance for Hereditary cancer-predisposing syndrome. Last evaluated: 2025-02-02. Review status: criteria provided, single submitter. Criteria: Ambry Variant Classification Scheme 2023. Collection method: clinical testing. Allele origin: germline.
Comment: The p.G4V variant (also known as c.11G>T), located in coding exon 1 of the HOXB13 gene, results from a G to T substitution at nucleotide position 11. The glycine at codon 4 is replaced by valine, an amino acid with dissimilar properties. This amino acid position is highly conserved through opossum but not in all available vertebrate species. In addition, this alteration is predicted to be tolerated by in silico analysis. Since supporting evidence is limited at this time, the clinical significance of this alteration remains unclear.

NM_006361.6(HOXB13):c.11G>T (p.Gly4Val)

Gene: HOXB13 (homeobox B13; minus strand). Cytogenetic location: 17q21.32.
Variant type: single nucleotide variant.
Coding change: c.11G>T on transcript NM_006361.6 (MANE Select); coding-DNA position 11, G replaced by T.
Protein change: p.Gly4Val; replaces glycine 4 with valine.
Molecular consequence: missense variant.
Genome position (GRCh38, 1-based): chr17:48,728,583, C>A on the plus strand (G>T on the coding strand, the complement: HOXB13 is on the minus strand). VCF-style: chr17-48728583-C-A. GRCh37 (hg19) VCF-style: chr17-46805945-C-A.
Other names: short protein forms G4V.
Identifiers: ClinVar variation 483505 (VCV000483505.13), dbSNP rs776869015, ClinGen allele CA8634078.